The following is an entry in ClinVar:

ClinVar aggregate classification (germline): Pathogenic (1 of 4 stars; one submission).

Conditions:
Acromesomelic dysplasia 1, Maroteaux type (AMD1). Also called: ST. HELENA DYSPLASIA; ACROMESOMELIC DYSPLASIA 1. Identifiers: Orphanet 40, MedGen C1864356, MONDO:0011275, OMIM 602875.
Tall stature-scoliosis-macrodactyly of the great toes syndrome. Also called: Epiphyseal chondrodysplasia, miura type. Identifiers: Orphanet 329191, MedGen C4014690, MONDO:0014401, OMIM 615923.

Submission:

Labcorp Genetics (formerly Invitae), Labcorp
Classification: Pathogenic for Tall stature-scoliosis-macrodactyly of the great toes syndrome; Acromesomelic dysplasia 1, Maroteaux type. Last evaluated: 2025-12-26. Review status: criteria provided, single submitter. Criteria: Invitae Variant Classification Sherloc (09022015). Collection method: clinical testing. Allele origin: germline.
Comment: This sequence change affects a donor splice site in intron 20 of the NPR2 gene. It is expected to disrupt RNA splicing. Variants that disrupt the donor or acceptor splice site typically lead to a loss of protein function (PMID: 16199547), and loss-of-function variants in NPR2 are known to be pathogenic (PMID: 15146390, 15572448, 16384845). This variant is not present in population databases (gnomAD no frequency). Disruption of this splice site has been observed in individuals with acromesomelic dysplasia, Maroteaux type (PMID: 22691581, 25959430). Algorithms developed to predict the effect of sequence changes on RNA splicing suggest that this variant may disrupt the consensus splice site. For these reasons, this variant has been classified as Pathogenic.

Literature cited by the submitters: PubMed 16199547; PubMed 15146390; PubMed 15572448; PubMed 16384845; PubMed 22691581; PubMed 25959430.

NM_003995.4(NPR2):c.2986+2T>G

Genes: NPR2 (natriuretic peptide receptor 2; plus strand), SPAG8 (sperm associated antigen 8; minus strand). Cytogenetic location: 9p13.3.
Variant type: single nucleotide variant.
Coding change: c.2986+2T>G on transcript NM_003995.4 (MANE Select); the canonical splice donor site of the intron after coding-DNA position 2986, T replaced by G.
Molecular consequence: splice donor variant. On other transcripts: intron variant (2).
Genome position (GRCh38, 1-based): chr9:35,808,855, T>G. VCF-style: chr9-35808855-T-G. GRCh37 (hg19) VCF-style: chr9-35808852-T-G.
Other names: c.2995+2T>G (NM_001378923.1); c.1201-549A>C (NM_001366760.2); c.1372+549A>C (NM_172312.2).
Identifiers: ClinVar variation 4783698 (VCV004783698.1).
Genomic context (GRCh38, chr9:35,808,855, plus strand): 5'-TTATTGTCTTTTTGGAGACACAGTGAACACTGCTTCTCGAATGGAGTCTAATGGTCAAGG[T>G]AAGACATTAGCCCTCAACCCCACTGTTGGCCTCAATTTATCTTGCCCTTTTCTTCTTTTC-3'